The following is an entry in ClinVar:

ClinVar aggregate classification (germline): Uncertain significance (1 of 4 stars; one submission).

Conditions:
Hereditary spherocytosis type 3. Also called: Spherocytosis type 3; SPTA1-Related Spherocytosis. Identifiers: Orphanet 822, MedGen C2678338, MONDO:0010053, OMIM 270970.

gnomAD v4.1: 19 of 1,613,560 alleles (0.0012%); highest among the groups gnomAD compares: Middle Eastern, 0.016%; no homozygotes.

Submission:

Neuberg Centre For Genomic Medicine, NCGM
Classification: Uncertain significance for Hereditary spherocytosis type 3. Last evaluated: 2024-02-01. Review status: criteria provided, single submitter. Criteria: ACMG Guidelines, 2015. Collection method: clinical testing. Allele origin: germline. Inheritance: Autosomal recessive inheritance.
Comment: The missense variant has not been reported previously as a pathogenic variant nor as a benign variant, to our knowledge.

NM_003126.4(SPTA1):c.179G>A (p.Arg60Gln)

Gene: SPTA1 (spectrin alpha, erythrocytic 1; minus strand). Cytogenetic location: 1q23.1.
Variant type: single nucleotide variant.
Coding change: c.179G>A on transcript NM_003126.4 (MANE Select); coding-DNA position 179, G replaced by A.
Protein change: p.Arg60Gln; replaces arginine 60 with glutamine.
Molecular consequence: missense variant.
Genome position (GRCh38, 1-based): chr1:158,685,193, C>T on the plus strand (G>A on the coding strand, the complement: SPTA1 is on the minus strand). VCF-style: chr1-158685193-C-T. GRCh37 (hg19) VCF-style: chr1-158654983-C-T.
Other names: short protein forms R60Q.
Identifiers: ClinVar variation 3898013 (VCV003898013.1).